The following is an entry in ClinVar:

NM_000574.5(CD55):c.130A>G (p.Asn44Asp)

Gene: CD55 (CD55 molecule (Cromer blood group); plus strand). Cytogenetic location: 1q32.2.
Variant type: single nucleotide variant.
Coding change: c.130A>G on transcript NM_000574.5 (MANE Select); coding-DNA position 130, A replaced by G.
Protein change: p.Asn44Asp; replaces asparagine 44 with aspartic acid.
Molecular consequence: missense variant. On other transcripts: non-coding transcript variant (1).
Genome position (GRCh38, 1-based): chr1:207,322,411, A>G. VCF-style: chr1-207322411-A-G. GRCh37 (hg19) VCF-style: chr1-207495756-A-G.
Other names: c.130A>G (NM_000574.3); c.130A>G, p.Asn44Asp (NM_001114752.3, NM_001300902.2, NM_001300903.2 and 1 more transcripts); short protein forms N44D.
Identifiers: ClinVar variation 1350776 (VCV001350776.9), dbSNP rs1404198072, ClinGen allele CA344515079.
Genomic context (GRCh38, chr1:207,322,411, plus strand): 5'-ATTTCCTTCAGTTCTGCTTTTGTCTCCCTAGGTGACTGTGGCCTTCCCCCAGATGTACCT[A>G]ATGCCCAGCCAGCTTTGGAAGGCCGTACAAGTTTTCCCGAGGATACTGTAATAACGTACA-3'
Protein context (NP_000565.1, residues 34-54): GDCGLPPDVP[Asn44Asp]AQPALEGRTS

ClinVar aggregate classification (germline): Uncertain significance. Review status: criteria provided, multiple submitters, no conflicts (2 of 4 stars). 2 submissions from 2 submitters: Uncertain significance (2). Last evaluated 2023-04-07.

Conditions:
Inborn genetic diseases. Identifiers: MedGen C0950123, MeSH D030342.

Allele frequency attached by ClinVar (database versions not stated): gnomAD exomes 0.00001; TOPMed 0.00001.
gnomAD v4.1: 3 of 1,614,160 alleles (0.00019%); highest among the groups gnomAD compares: African/African-American, 0.0013%; no homozygotes.

Submissions (2):

Ambry Genetics
Classification: Uncertain significance for Inborn genetic diseases. Last evaluated: 2023-04-07. Review status: criteria provided, single submitter. Criteria: Ambry Variant Classification Scheme 2023. Collection method: clinical testing. Allele origin: germline.

Labcorp Genetics (formerly Invitae), Labcorp
Classification: Uncertain significance. Last evaluated: 2022-02-04. Review status: criteria provided, single submitter. Criteria: Invitae Variant Classification Sherloc (09022015). Collection method: clinical testing. Allele origin: germline.
Comment: In summary, the available evidence is currently insufficient to determine the role of this variant in disease. Therefore, it has been classified as a Variant of Uncertain Significance. Algorithms developed to predict the effect of missense changes on protein structure and function are either unavailable or do not agree on the potential impact of this missense change (SIFT: "Tolerated"; PolyPhen-2: "Probably Damaging"; Align-GVGD: "Class C0"). This variant has not been reported in the literature in individuals affected with CD55-related conditions. This variant is present in population databases (no rsID available, gnomAD 0.007%). This sequence change replaces asparagine, which is neutral and polar, with aspartic acid, which is acidic and polar, at codon 44 of the CD55 protein (p.Asn44Asp).